The following is an entry in ClinVar:

NM_024589.3(ROGDI):c.844T>C (p.Trp282Arg)

Gene: ROGDI (rogdi atypical leucine zipper; minus strand). Cytogenetic location: 16p13.3.
Variant type: single nucleotide variant.
Coding change: c.844T>C on transcript NM_024589.3 (MANE Select); coding-DNA position 844, T replaced by C.
Protein change: p.Trp282Arg; replaces tryptophan 282 with arginine.
Molecular consequence: missense variant. On other transcripts: non-coding transcript variant (1).
Genome position (GRCh38, 1-based): chr16:4,797,480, A>G on the plus strand (T>C on the coding strand, the complement: ROGDI is on the minus strand). VCF-style: chr16-4797480-A-G. GRCh37 (hg19) VCF-style: chr16-4847481-A-G.
Other names: short protein forms W282R.
Identifiers: ClinVar variation 2164515 (VCV002164515.4), dbSNP rs2082664409, ClinGen allele CA394647385.

ClinVar aggregate classification (germline): Uncertain significance (1 of 4 stars; one submission).

Conditions:
Amelocerebrohypohidrotic syndrome (KTZS). Also called: Kohlschutter's syndrome; EPILEPSY AND YELLOW TEETH; EPILEPSY, DEMENTIA, AND AMELOGENESIS IMPERFECTA; KOHLSCHUTTER SYNDROME. Identifiers: Orphanet 1946, MedGen C0406740, MONDO:0009185, OMIM 226750.

Allele frequency attached by ClinVar (database versions not stated): TOPMed below 0.00001.

Submission:

Labcorp Genetics (formerly Invitae), Labcorp
Classification: Uncertain significance for Amelocerebrohypohidrotic syndrome. Last evaluated: 2022-05-27. Review status: criteria provided, single submitter. Criteria: Invitae Variant Classification Sherloc (09022015). Collection method: clinical testing. Allele origin: germline.
Comment: This sequence change replaces tryptophan, which is neutral and slightly polar, with arginine, which is basic and polar, at codon 282 of the ROGDI protein (p.Trp282Arg). This variant is not present in population databases (gnomAD no frequency). In summary, the available evidence is currently insufficient to determine the role of this variant in disease. Therefore, it has been classified as a Variant of Uncertain Significance. Algorithms developed to predict the effect of missense changes on protein structure and function are either unavailable or do not agree on the potential impact of this missense change (SIFT: "Tolerated"; PolyPhen-2: "Possibly Damaging"; Align-GVGD: "Class C0"). This variant has not been reported in the literature in individuals affected with ROGDI-related conditions.